The following is an entry in ClinVar:

ClinVar aggregate classification (germline): Benign. Review status: criteria provided, multiple submitters, no conflicts (2 of 4 stars). 3 submissions from 3 submitters: Benign (3). Last evaluated 2018-01-13.

Conditions:
Glycogen storage disease due to muscle beta-enolase deficiency (GSD13). Also called: ENOLASE 3 DEFICIENCY; ENOLASE-BETA DEFICIENCY; GSD XIII; Glycogen Storage Disease Type XIII. Identifiers: Orphanet 99849, MedGen C2752027, MONDO:0013046, OMIM 612932.

Allele frequency attached by ClinVar (database versions not stated): 1000 Genomes Project 0.32608; 1000 Genomes Project 30x 0.33042; TOPMed 0.44436; gnomAD 0.45968.

Submissions (3):

Illumina Laboratory Services, Illumina
Classification: Benign for Glycogen storage disease due to muscle beta-enolase deficiency. Last evaluated: 2018-01-13. Review status: criteria provided, single submitter. Criteria: ICSL Variant Classification Criteria 13 December 2019. Collection method: clinical testing. Allele origin: germline.
Comment: This variant was observed in the ICSL laboratory as part of a predisposition screen in an ostensibly healthy population. It had not been previously curated by ICSL or reported in the Human Gene Mutation Database (HGMD: prior to June 1st, 2018), and was therefore a candidate for classification through an automated scoring system. Utilizing variant allele frequency, disease prevalence and penetrance estimates, and inheritance mode, an automated score was calculated to assess if this variant is too frequent to cause the disease. Based on the score and internal cut-off values, a variant classified as benign is not then subjected to further curation. The score for this variant resulted in a classification of benign for this disease.

GeneDx
Classification: Benign. Last evaluated: 2015-12-02. Review status: criteria provided, single submitter. Criteria: GeneDx Variant Classification (06012015). Collection method: clinical testing. Allele origin: germline. Affected: yes.
Comment: This variant is considered likely benign or benign based on one or more of the following criteria: it is a conservative change, it occurs at a poorly conserved position in the protein, it is predicted to be benign by multiple in silico algorithms, and/or has population frequency not consistent with disease.

Breakthrough Genomics
Classification: Benign. Review status: criteria provided, single submitter. Criteria: ACMG Guidelines, 2015. Collection method: not provided. Allele origin: germline. Inheritance: Autosomal recessive inheritance. Affected: yes.

NM_053013.4(ENO3):c.-3+3C>T

Gene: ENO3 (enolase 3; plus strand). Cytogenetic location: 17p13.2.
Variant type: single nucleotide variant.
Coding change: c.-3+3C>T on transcript NM_053013.4 (MANE Select); 3 bases into the intron after 3 bases upstream of the start codon, C replaced by T.
Molecular consequence: intron variant. On other transcripts: 5 prime UTR variant (1).
Genome position (GRCh38, 1-based): chr17:4,951,185, C>T. VCF-style: chr17-4951185-C-T. GRCh37 (hg19) VCF-style: chr17-4854480-C-T.
Other names: c.-42C>T (NM_001976.5); c.-3+3C>T (NM_001193503.2).
Identifiers: ClinVar variation 324134 (VCV000324134.6), dbSNP rs366577, ClinGen allele CA10646097.
Genomic context (GRCh38, chr17:4,951,185, plus strand): 5'-GTCCCAGCTGCCACCTAGACTCGGAGCTCCATCCAAACCTCCAGCGAAGACATCCCAGGT[C>T]GGGTGAATCTTCCAGCCCTGGGGGTGGAGGTAGTAAAGGGTGAGCATGGTATTGGCTTGG-3'